The following is an entry in ClinVar:

ClinVar aggregate classification (germline): Pathogenic (1 of 4 stars; one submission).

Conditions:
Cardiovascular phenotype. Identifiers: MedGen CN230736.
Hereditary cancer-predisposing syndrome. Also called: Neoplastic Syndromes, Hereditary; Tumor predisposition; Hereditary neoplastic syndrome; Hereditary Cancer Syndrome. Identifiers: Orphanet 140162, MedGen C0027672, MeSH D009386, MONDO:0015356.

Submission:

Ambry Genetics
Classification: Pathogenic for Cardiovascular phenotype; Hereditary cancer-predisposing syndrome. Last evaluated: 2026-07-29. Review status: criteria provided, single submitter. Criteria: Ambry Variant Classification Scheme 2023. Collection method: clinical testing. Allele origin: germline.
Comment: The c.3011delA pathogenic mutation, located in coding exon 23 of the NF1 gene, results from a deletion of one nucleotide at nucleotide position 3011, causing a translational frameshift with a predicted alternate stop codon (p.N1004Ifs*8). This variant is considered to be rare based on population cohorts in the Genome Aggregation Database (gnomAD). This alteration is expected to result in loss of function by premature protein truncation or nonsense-mediated mRNA decay. As such, this alteration is interpreted as a disease-causing mutation.

NM_001042492.3(NF1):c.3011del (p.Asn1004fs)

Gene: NF1 (neurofibromin 1; plus strand). Cytogenetic location: 17q11.2.
Variant type: Deletion.
Coding change: c.3011del on transcript NM_001042492.3 (MANE Select); coding-DNA position 3011, one base deleted (A; older notation c.3011delA).
Protein change: p.Asn1004fs; shifts the reading frame from asparagine 1004.
Molecular consequence: frameshift variant.
Genome position (GRCh38, 1-based): chr17:31,230,280, A deleted; the last of 2 consecutive A bases (chr17:31,230,279-31,230,280); deleting either gives the same sequence. VCF-style (leftmost placement, unchanged base first): chr17-31230278-GA-G. GRCh37 (hg19) VCF-style: chr17-29557296-GA-G.
Other names: c.3011del, p.Asn1004fs (NM_000267.4); short protein forms N1004fs.
Identifiers: ClinVar variation 5025580 (VCV005025580.1).